The following is an entry in ClinVar:

NM_182961.4(SYNE1):c.1708T>C (p.Tyr570His)

Gene: SYNE1 (spectrin repeat containing nuclear envelope protein 1; minus strand). Cytogenetic location: 6q25.2.
Variant type: single nucleotide variant.
Coding change: c.1708T>C on transcript NM_182961.4 (MANE Select); coding-DNA position 1708, T replaced by C.
Protein change: p.Tyr570His; replaces tyrosine 570 with histidine.
Molecular consequence: missense variant.
Genome position (GRCh38, 1-based): chr6:152,466,003, A>G on the plus strand (T>C on the coding strand, the complement: SYNE1 is on the minus strand). VCF-style: chr6-152466003-A-G. GRCh37 (hg19) VCF-style: chr6-152787138-A-G.
Other names: p.Tyr577His; c.1729T>C, p.Tyr577His (NM_033071.5); short protein forms Y570H, Y577H.
Identifiers: ClinVar variation 290881 (VCV000290881.19), dbSNP rs199962439, ClinGen allele CA4059333.

ClinVar aggregate classification (germline): Uncertain significance. Review status: criteria provided, multiple submitters, no conflicts (2 of 4 stars). 6 submissions from 6 submitters: Uncertain significance (6). Last evaluated 2024-11-26.

Conditions:
Emery-Dreifuss muscular dystrophy 4, autosomal dominant (EDMD4). Also called: EMERY-DREIFUSS MUSCULAR DYSTROPHY 4 WITH VARIABLE FEATURES. Identifiers: Orphanet 261, MedGen C2751807, MONDO:0013071, OMIM 612998.
Autosomal recessive ataxia, Beauce type. Also called: SYNE1 Deficiency; ATAXIA, RECESSIVE, OF BEAUCE; SYNE1-Related Autosomal Recessive Cerebellar Ataxia; Spinocerebellar ataxia, autosomal recessive 8. Identifiers: Orphanet 88644, MedGen C1853116, MONDO:0012549, OMIM 610743.

Allele frequency attached by ClinVar (database versions not stated): ExAC 0.00003; gnomAD exomes 0.00006 and 0.00009; TOPMed 0.00006; gnomAD 0.00009.
gnomAD v4.1: 148 of 1,612,582 alleles (0.0092%); highest among the groups gnomAD compares: Non-Finnish European, 0.012%; no homozygotes.

Submissions (6):

Mayo Clinic Laboratories, Mayo Clinic
Classification: Uncertain significance. Last evaluated: 2024-11-26. Review status: criteria provided, single submitter. Criteria: ACMG Guidelines, 2015. Collection method: clinical testing. Allele origin: germline. Observed: 2 variant alleles.

Revvity Omics, Revvity
Classification: Uncertain significance. Last evaluated: 2024-08-29. Review status: criteria provided, single submitter. Criteria: ACMG Guidelines, 2015. Collection method: clinical testing. Allele origin: germline.

Blueprint Genetics
Classification: Uncertain significance. Last evaluated: 2023-11-29. Review status: criteria provided, single submitter. Criteria: ACMG Guidelines, 2015. Collection method: clinical testing. Allele origin: germline.

Labcorp Genetics (formerly Invitae), Labcorp
Classification: Uncertain significance for Emery-Dreifuss muscular dystrophy 4, autosomal dominant; Autosomal recessive ataxia, Beauce type. Last evaluated: 2022-06-04. Review status: criteria provided, single submitter. Criteria: Invitae Variant Classification Sherloc (09022015). Collection method: clinical testing. Allele origin: germline.
Comment: In summary, the available evidence is currently insufficient to determine the role of this variant in disease. Therefore, it has been classified as a Variant of Uncertain Significance. Algorithms developed to predict the effect of missense changes on protein structure and function are either unavailable or do not agree on the potential impact of this missense change (SIFT: "Deleterious"; PolyPhen-2: "Probably Damaging"; Align-GVGD: "Class C0"). ClinVar contains an entry for this variant (Variation ID: 290881). This variant has not been reported in the literature in individuals affected with SYNE1-related conditions. This variant is present in population databases (rs199962439, gnomAD 0.01%). This sequence change replaces tyrosine, which is neutral and polar, with histidine, which is basic and polar, at codon 577 of the SYNE1 protein (p.Tyr577His).

Athena Diagnostics
Classification: Uncertain significance. Last evaluated: 2018-12-21. Review status: criteria provided, single submitter. Criteria: Athena Diagnostics Criteria. Collection method: clinical testing. Allele origin: germline.

Eurofins Ntd Llc (ga)
Classification: Uncertain significance. Last evaluated: 2018-01-11. Review status: criteria provided, single submitter. Criteria: EGL Classification Definitions 2015. Collection method: clinical testing. Allele origin: germline. Observed: 2 variant alleles, 2 heterozygotes.